The following is an entry in ClinVar:

NM_033380.3(COL4A5):c.3547G>A (p.Glu1183Lys)

Gene: COL4A5 (collagen type IV alpha 5 chain; plus strand). Cytogenetic location: Xq22.3.
Variant type: single nucleotide variant.
Coding change: c.3547G>A on transcript NM_033380.3 (MANE Select); coding-DNA position 3547, G replaced by A.
Protein change: p.Glu1183Lys; replaces glutamic acid 1183 with lysine.
Molecular consequence: missense variant.
Genome position (GRCh38, 1-based): chrX:108,666,588, G>A. VCF-style: chrX-108666588-G-A. GRCh37 (hg19) VCF-style: chrX-107909818-G-A.
Other names: c.3547G>A, p.Glu1183Lys (NM_000495.5); short protein forms E1183K.
Identifiers: ClinVar variation 2124564 (VCV002124564.1), dbSNP rs1401898740, ClinGen allele CA413847907.

ClinVar aggregate classification (germline): Uncertain significance (1 of 4 stars; one submission).

gnomAD v4.1: 1 of 1,197,914 alleles (0.000083%); no homozygotes.

Submission:

Labcorp Genetics (formerly Invitae), Labcorp
Classification: Uncertain significance. Last evaluated: 2022-04-11. Review status: criteria provided, single submitter. Criteria: Invitae Variant Classification Sherloc (09022015). Collection method: clinical testing. Allele origin: germline.
Comment: This sequence change replaces glutamic acid, which is acidic and polar, with lysine, which is basic and polar, at codon 1183 of the COL4A5 protein (p.Glu1183Lys). This variant is not present in population databases (gnomAD no frequency). This variant has not been reported in the literature in individuals affected with COL4A5-related conditions. Advanced modeling of protein sequence and biophysical properties (such as structural, functional, and spatial information, amino acid conservation, physicochemical variation, residue mobility, and thermodynamic stability) performed at Invitae indicates that this missense variant is not expected to disrupt COL4A5 protein function. Algorithms developed to predict the effect of sequence changes on RNA splicing suggest that this variant may create or strengthen a splice site. In summary, the available evidence is currently insufficient to determine the role of this variant in disease. Therefore, it has been classified as a Variant of Uncertain Significance.